The following is an entry in ClinVar:

NC_000011.9:g.(?_66618135)_(66639640_?)del

Genes: LRFN4 (leucine rich repeat and fibronectin type III domain containing 4; plus strand), PC (pyruvate carboxylase; minus strand). Cytogenetic location: 11q13.2.
Variant type: Deletion.
Identifiers: ClinVar variation 1457685 (VCV001457685.4).

ClinVar aggregate classification (germline): Pathogenic (1 of 4 stars; one submission).

Conditions:
Pyruvate carboxylase deficiency. Also called: ATAXIA WITH LACTIC ACIDOSIS II; LEIGH NECROTIZING ENCEPHALOPATHY DUE TO PYRUVATE CARBOXYLASE DEFICIENCY; PC DEFICIENCY; LEIGH SYNDROME DUE TO PYRUVATE CARBOXYLASE DEFICIENCY; Pyruvate Carboxylase Deficiency Disease. Identifiers: Orphanet 3008, MedGen C0034341, MONDO:0009949, OMIM 266150.

Submission:

Labcorp Genetics (formerly Invitae), Labcorp
Classification: Pathogenic for Pyruvate carboxylase deficiency. Last evaluated: 2021-04-12. Review status: criteria provided, single submitter. Criteria: Invitae Variant Classification Sherloc (09022015). Collection method: clinical testing. Allele origin: germline.
Comment: For these reasons, this variant has been classified as Pathogenic. This variant has not been reported in the literature in individuals with PC-related conditions. This variant is a gross deletion of the genomic region encompassing exon(s) 3-17 of the PC gene, which includes the initiator codon. The 5' end of this event is unknown as it extends beyond the assayed region for this gene and therefore may encompass additional genes. The 3' boundary is likely confined to intron 17 of the PC gene. It is expected to result in an absent or disrupted protein product. Loss-of-function variants in PC are known to be pathogenic (PMID: 12112657, 19306334).

Literature cited by the submitters: PubMed 12112657; PubMed 19306334.